The following is an entry in ClinVar:

NM_000507.4(FBP1):c.705A>G (p.Pro235=)

Gene: FBP1 (fructose-bisphosphatase 1; minus strand). Cytogenetic location: 9q22.32.
Variant type: single nucleotide variant.
Coding change: c.705A>G on transcript NM_000507.4 (MANE Select); coding-DNA position 705, A replaced by G.
Protein change: p.Pro235=; no amino-acid change (proline 235 retained).
Molecular consequence: synonymous variant.
Genome position (GRCh38, 1-based): chr9:94,606,815, T>C on the plus strand (A>G on the coding strand, the complement: FBP1 is on the minus strand). VCF-style: chr9-94606815-T-C. GRCh37 (hg19) VCF-style: chr9-97369097-T-C.
Other names: c.705A>G, p.Pro235= (NM_001127628.2).
Identifiers: ClinVar variation 511580 (VCV000511580.5), dbSNP rs112446147, ClinGen allele CA5136161.

ClinVar aggregate classification (germline): Conflicting classifications of pathogenicity. Review status: criteria provided, conflicting classifications (1 of 4 stars). 2 submissions from 2 submitters: Uncertain significance (1); Likely benign (1). Last evaluated 2017-09-06.

Conditions:
Fructose-biphosphatase deficiency (FBP1D). Also called: Fructose-1,6-Bisphosphatase 1 Deficiency; Fructose 1,6 Bisphosphatase Deficiency; Fructose-1,6-Diphosphatase Deficiency. Identifiers: Orphanet 348, MedGen C0016756, MONDO:0009251, OMIM 229700.

Allele frequency attached by ClinVar (database versions not stated): ESP Exome Variant Server 0.00008; gnomAD exomes 0.00004; TOPMed 0.00002; ExAC 0.00008; gnomAD 0.00001.
gnomAD v4.1: 26 of 1,613,372 alleles (0.0016%); highest among the groups gnomAD compares: Non-Finnish European, 0.0021%; no homozygotes.

Submissions (2):

GeneDx
Classification: Likely benign. Last evaluated: 2017-09-06. Review status: criteria provided, single submitter. Criteria: GeneDx Variant Classification (06012015). Collection method: clinical testing. Allele origin: germline. Affected: yes.
Comment: This variant is considered likely benign or benign based on one or more of the following criteria: it is a conservative change, it occurs at a poorly conserved position in the protein, it is predicted to be benign by multiple in silico algorithms, and/or has population frequency not consistent with disease.

Illumina Laboratory Services, Illumina
Classification: Uncertain significance for Fructose-biphosphatase deficiency. Last evaluated: 2017-04-27. Review status: criteria provided, single submitter. Criteria: ICSL Variant Classification Criteria 13 December 2019. Collection method: clinical testing. Allele origin: germline.